The following is an entry in ClinVar:

ClinVar aggregate classification (germline): Uncertain significance (1 of 4 stars; one submission).

Allele frequency attached by ClinVar (database versions not stated): gnomAD exomes below 0.00001; TOPMed 0.00001.

Submission:

Labcorp Genetics (formerly Invitae), Labcorp
Classification: Uncertain significance. Last evaluated: 2024-12-02. Review status: criteria provided, single submitter. Criteria: Invitae Variant Classification Sherloc (09022015). Collection method: clinical testing. Allele origin: germline.
Comment: This sequence change replaces proline, which is neutral and non-polar, with leucine, which is neutral and non-polar, at codon 310 of the FOXI3 protein (p.Pro310Leu). This variant is present in population databases (no rsID available, gnomAD 0.008%). This variant has not been reported in the literature in individuals affected with FOXI3-related conditions. ClinVar contains an entry for this variant (Variation ID: 1915009). Experimental studies and prediction algorithms are not available or were not evaluated, and the functional significance of this variant is currently unknown. In summary, the available evidence is currently insufficient to determine the role of this variant in disease. Therefore, it has been classified as a Variant of Uncertain Significance.

NM_001135649.3(FOXI3):c.929C>T (p.Pro310Leu)

Gene: FOXI3 (forkhead box I3; minus strand). Cytogenetic location: 2p11.2.
Variant type: single nucleotide variant.
Coding change: c.929C>T on transcript NM_001135649.3 (MANE Select); coding-DNA position 929, C replaced by T.
Protein change: p.Pro310Leu; replaces proline 310 with leucine.
Molecular consequence: missense variant.
Genome position (GRCh38, 1-based): chr2:88,448,541, G>A on the plus strand (C>T on the coding strand, the complement: FOXI3 is on the minus strand). VCF-style: chr2-88448541-G-A. GRCh37 (hg19) VCF-style: chr2-88748060-G-A.
Other names: short protein forms P310L.
Identifiers: ClinVar variation 1915009 (VCV001915009.5), dbSNP rs1189470019, ClinGen allele CA347764980.